The following is an entry in ClinVar:

NM_000405.5(GM2A):c.126G>A (p.Gly42=)

Gene: GM2A (ganglioside GM2 activator; plus strand). Cytogenetic location: 5q33.1.
Variant type: single nucleotide variant.
Coding change: c.126G>A on transcript NM_000405.5 (MANE Select); coding-DNA position 126, G replaced by A.
Protein change: p.Gly42=; no amino-acid change (glycine 42 retained).
Molecular consequence: synonymous variant.
Genome position (GRCh38, 1-based): chr5:151,259,799, G>A. VCF-style: chr5-151259799-G-A. GRCh37 (hg19) VCF-style: chr5-150639360-G-A.
Other names: c.126G>A, p.Gly42= (NM_001167607.3).
Identifiers: ClinVar variation 352253 (VCV000352253.41), dbSNP rs113271740, ClinGen allele CA3517874.

ClinVar aggregate classification (germline): Benign/Likely benign. Review status: criteria provided, multiple submitters, no conflicts (2 of 4 stars). 5 submissions from 5 submitters: Benign (2); Likely benign (3). Last evaluated 2025-12-30.

Conditions:
GM2A-related condition.
Tay-Sachs disease, variant AB. Also called: GM2 Activator Deficiency; Gm2-gangliosidosis, ab variant. Identifiers: Orphanet 309246, MedGen C0268275, MONDO:0010099, OMIM 272750.

Allele frequency attached by ClinVar (database versions not stated): ESP Exome Variant Server 0.00038; gnomAD 0.00041 and 0.00052; gnomAD exomes 0.00053 and 0.00092; TOPMed 0.00054; ExAC 0.00101; 1000 Genomes Project 30x 0.00109; 1000 Genomes Project 0.00120.
gnomAD v4.1: 878 of 1,613,936 alleles (0.054%); highest among the groups gnomAD compares: East Asian, 1.1%; 4 homozygotes.

Submissions (5):

Labcorp Genetics (formerly Invitae), Labcorp
Classification: Benign for Tay-Sachs disease, variant AB. Last evaluated: 2025-12-30. Review status: criteria provided, single submitter. Criteria: Invitae Variant Classification Sherloc (09022015). Collection method: clinical testing. Allele origin: germline.

PreventionGenetics, part of Exact Sciences
Classification: Benign for GM2A-related condition. Last evaluated: 2025-05-29. Review status: criteria provided, single submitter. Criteria: ACMG Guidelines, 2015. Collection method: clinical testing. Allele origin: germline.
Comment: This variant is classified as benign based on ACMG/AMP sequence variant interpretation guidelines (Richards et al. 2015 PMID: 25741868, with internal and published modifications).

CeGaT Center for Human Genetics Tuebingen
Classification: Likely benign. Last evaluated: 2023-08-01. Review status: criteria provided, single submitter. Criteria: CeGaT Center For Human Genetics Tuebingen Variant Classification Criteria Version 2. Collection method: clinical testing. Allele origin: germline. Affected: yes. Observed: 1 variant allele.
Comment: GM2A: BP4, BP7

Illumina Laboratory Services, Illumina
Classification: Likely benign for Tay-Sachs disease, variant AB. Last evaluated: 2018-01-13. Review status: criteria provided, single submitter. Criteria: ICSL Variant Classification Criteria 13 December 2019. Collection method: clinical testing. Allele origin: germline.
Comment: This variant was observed in the ICSL laboratory as part of a predisposition screen in an ostensibly healthy population. It had not been previously curated by ICSL or reported in the Human Gene Mutation Database (HGMD: prior to June 1st, 2018), and was therefore a candidate for classification through an automated scoring system. Utilizing variant allele frequency, disease prevalence and penetrance estimates, and inheritance mode, an automated score was calculated to assess if this variant is too frequent to cause the disease. Based on the score and internal cut-off values, a variant classified as likely benign is not then subjected to further curation. The score for this variant resulted in a classification of likely benign for this disease.

Breakthrough Genomics
Classification: Likely benign. Review status: criteria provided, single submitter. Criteria: ACMG Guidelines, 2015. Collection method: not provided. Allele origin: germline. Inheritance: Autosomal recessive inheritance. Affected: yes.